The following is an entry in ClinVar:

NM_006019.4(TCIRG1):c.822dup (p.Glu275fs)

Gene: TCIRG1 (T cell immune regulator 1, ATPase H+ transporting V0 subunit a3; plus strand). Cytogenetic location: 11q13.2.
Variant type: Duplication.
Coding change: c.822dup on transcript NM_006019.4 (MANE Select); coding-DNA position 822, one base duplicated (A; older notation c.822dupA).
Protein change: p.Glu275fs; shifts the reading frame from glutamic acid 275.
Molecular consequence: frameshift variant. On other transcripts: 5 prime UTR variant (1), intron variant (4).
Genome position (GRCh38, 1-based): chr11:68,044,146, A duplicated. VCF-style (leftmost placement, unchanged base first): chr11-68044145-C-CA. GRCh37 (hg19) VCF-style: chr11-67811612-C-CA.
Other names: c.-73dup (NM_001351059.2); c.822dup, p.Glu275fs (NM_001440552.1, NM_001440553.1, NM_001440554.1 and 2 more transcripts); c.780dup, p.Glu261fs (NM_001440555.1, NM_001440556.1, NM_001440563.1); c.609dup, p.Glu204fs (NM_001440561.1, NM_001440562.1, NM_001440566.1 and 1 more transcripts); c.567dup, p.Glu190fs (NM_001440564.1); c.522dup, p.Glu175fs (NM_001440565.1); c.174dup, p.Glu59fs (NM_006053.4); c.807+239dup (NM_001440559.1, NM_001440560.1); and 2 more; short protein forms E175fs, E190fs, E204fs, E261fs, E275fs, E59fs.
Identifiers: ClinVar variation 5015281 (VCV005015281.1).

ClinVar aggregate classification (germline): Pathogenic (1 of 4 stars; one submission).

Conditions:
Autosomal recessive osteopetrosis 1. Also called: ALBERS-SCHONBERG DISEASE, AUTOSOMAL RECESSIVE; TCIRG1-Related Autosomal Recessive Osteopetrosis; TCIRG1-Related Osteopetrosis. Identifiers: Orphanet 667, MedGen C1850127, MONDO:0009815, OMIM 259700.

Submission:

Myriad Genetics, Inc.
Classification: Pathogenic for Autosomal recessive osteopetrosis 1. Last evaluated: 2025-11-29. Review status: criteria provided, single submitter. Criteria: Myriad Autosomal Dominant, Autosomal Recessive and X-Linked Classification Criteria (2023). Collection method: clinical testing. Allele origin: unknown.
Comment: NM_006019.3(TCIRG1):c.822dupA(E275Rfs*215) is expected to be pathogenic in the context of autosomal recessive osteopetrosis type 1. This variant is predicted to lead to an abnormal or absent protein product due to the creation of a premature termination codon in TCIRG1, a gene where loss-of-function variants are known to be pathogenic. Please note: this variant was assessed in the context of healthy population screening.